The following is an entry in ClinVar:

NM_004145.4(MYO9B):c.2058C>T (p.Ala686=)

Gene: MYO9B (myosin IXB; plus strand). Cytogenetic location: 19p13.11.
Variant type: single nucleotide variant.
Coding change: c.2058C>T on transcript NM_004145.4 (MANE Select); coding-DNA position 2058, C replaced by T.
Protein change: p.Ala686=; no amino-acid change (alanine 686 retained).
Molecular consequence: synonymous variant.
Genome position (GRCh38, 1-based): chr19:17,172,881, C>T. VCF-style: chr19-17172881-C-T. GRCh37 (hg19) VCF-style: chr19-17283690-C-T.
Other names: c.2058C>T, p.Ala686= (NM_001130065.2).
Identifiers: ClinVar variation 2649533 (VCV002649533.24), dbSNP rs766294503, ClinGen allele CA9287425.

ClinVar aggregate classification (germline): Likely benign (1 of 4 stars; one submission).

Allele frequency attached by ClinVar (database versions not stated): gnomAD exomes 0.00001; ExAC 0.00002; gnomAD 0.00003; TOPMed 0.00003.
gnomAD v4.1: 23 of 1,605,212 alleles (0.0014%); highest among the groups gnomAD compares: Middle Eastern, 0.016%; no homozygotes.

Submission:

CeGaT Center for Human Genetics Tuebingen
Classification: Likely benign. Last evaluated: 2023-04-01. Review status: criteria provided, single submitter. Criteria: CeGaT Center For Human Genetics Tuebingen Variant Classification Criteria Version 2. Collection method: clinical testing. Allele origin: germline. Affected: yes. Observed: 1 variant allele.
Comment: MYO9B: BP4, BP7